The following is an entry in ClinVar:

NM_001004356.3(FGFRL1):c.1256C>A (p.Pro419Gln)

Gene: FGFRL1 (fibroblast growth factor receptor like 1; plus strand). Cytogenetic location: 4p16.3.
Variant type: single nucleotide variant.
Coding change: c.1256C>A on transcript NM_001004356.3 (MANE Select); coding-DNA position 1256, C replaced by A.
Protein change: p.Pro419Gln; replaces proline 419 with glutamine.
Molecular consequence: missense variant.
Genome position (GRCh38, 1-based): chr4:1,025,088, C>A. VCF-style: chr4-1025088-C-A. GRCh37 (hg19) VCF-style: chr4-1018876-C-A.
Other names: c.1256C>A, p.Pro419Gln (NM_001004358.1, NM_001370296.1, NM_021923.3); short protein forms P419Q.
Identifiers: ClinVar variation 1368850 (VCV001368850.8), dbSNP rs200338999, ClinGen allele CA2803044.
Genomic context (GRCh38, chr4:1,025,088, plus strand): 5'-GCCAGGCCCAGAAGAAGCCGTGCACCCCCGCGCCTGCCCCTCCCCTGCCTGGGCACCGCC[C>A]GCCGGGGACGGCCCGCGACCGCAGCGGAGACAAGGACCTTCCCTCGTTGGCCGCCCTCAG-3'
Protein context (NP_001004356.1, residues 409-429): APAPPLPGHR[Pro419Gln]PGTARDRSGD

ClinVar aggregate classification (germline): Uncertain significance (1 of 4 stars; one submission).

Allele frequency attached by ClinVar (database versions not stated): ESP Exome Variant Server 0.00063.
gnomAD v4.1: 165 of 1,609,950 alleles (0.01%); highest among the groups gnomAD compares: African/African-American, 0.18%; no homozygotes.

Submission:

Labcorp Genetics (formerly Invitae), Labcorp
Classification: Uncertain significance. Last evaluated: 2025-12-08. Review status: criteria provided, single submitter. Criteria: Invitae Variant Classification Sherloc (09022015). Collection method: clinical testing. Allele origin: germline.
Comment: This sequence change replaces proline, which is neutral and non-polar, with glutamine, which is neutral and polar, at codon 419 of the FGFRL1 protein (p.Pro419Gln). This variant is present in population databases (rs200338999, gnomAD 0.2%), and has an allele count higher than expected for a pathogenic variant. This variant has not been reported in the literature in individuals affected with FGFRL1-related conditions. ClinVar contains an entry for this variant (Variation ID: 1368850). An algorithm developed to predict the effect of missense changes on protein structure and function outputs the following: PolyPhen-2: "Benign". The glutamine amino acid residue is found in multiple mammalian species, which suggests that this missense change does not adversely affect protein function. In summary, the available evidence is currently insufficient to determine the role of this variant in disease. Therefore, it has been classified as a Variant of Uncertain Significance.